The following is an entry in ClinVar:

ClinVar aggregate classification (germline): Conflicting classifications of pathogenicity. Review status: criteria provided, conflicting classifications (1 of 4 stars). 5 submissions from 5 submitters: Uncertain significance (1); Benign (1); Likely benign (3). Last evaluated 2025-12-19.

Conditions:
Progressive myoclonic epilepsy. Also called: Myoclonus epilepsy; Myoclonic Epilepsies, Progressive; Progressive myoclonus epilepsy; Familial progressive myoclonic epilepsy. Identifiers: Orphanet 308, Orphanet 98261, MedGen C0751778, MONDO:0020074.
Progressive myoclonic epilepsy type 5. Identifiers: Orphanet 402082, MedGen C5190799.

Allele frequency attached by ClinVar (database versions not stated): 1000 Genomes Project 0.00120; TOPMed 0.00126; 1000 Genomes Project 30x 0.00141; gnomAD 0.00143; ESP Exome Variant Server 0.00170.
gnomAD v4.1: 3,486 of 1,613,506 alleles (0.22%); highest among the groups gnomAD compares: Non-Finnish European, 0.26%; 9 homozygotes.

Submissions (5):

Labcorp Genetics (formerly Invitae), Labcorp
Classification: Benign for Progressive myoclonic epilepsy type 5. Last evaluated: 2025-12-19. Review status: criteria provided, single submitter. Criteria: Invitae Variant Classification Sherloc (09022015). Collection method: clinical testing. Allele origin: germline.

Blueprint Genetics
Classification: Likely benign. Last evaluated: 2024-10-18. Review status: criteria provided, single submitter. Criteria: ACMG Guidelines, 2015. Collection method: clinical testing. Allele origin: germline.

Illumina Laboratory Services, Illumina
Classification: Likely benign for Progressive myoclonic epilepsy. Last evaluated: 2017-04-27. Review status: criteria provided, single submitter. Criteria: ICSL Variant Classification Criteria 13 December 2019. Collection method: clinical testing. Allele origin: germline.
Comment: This variant was observed as part of a predisposition screen in an ostensibly healthy population. A literature search was performed for the gene, cDNA change, and amino acid change (where applicable). No publications were found based on this search. Allele frequency data from public databases allowed determination this variant is unlikely to cause disease. Therefore, this variant is classified as likely benign.

Genetic Services Laboratory, University of Chicago
Classification: Uncertain significance. Last evaluated: 2015-05-21. Review status: criteria provided, single submitter. Criteria: ACMG Guidelines, 2015. Collection method: clinical testing. Allele origin: germline.

Eurofins Ntd Llc (ga)
Classification: Likely benign. Last evaluated: 2014-11-11. Review status: criteria provided, single submitter. Criteria: EGL Classification Definitions 2015. Collection method: clinical testing. Allele origin: germline. Observed: 1 variant allele, 1 heterozygote.

NM_198859.4(PRICKLE2):c.788-6T>C

Gene: PRICKLE2 (prickle planar cell polarity protein 2; minus strand). Cytogenetic location: 3p14.1.
Variant type: single nucleotide variant.
Coding change: c.788-6T>C on transcript NM_198859.4 (MANE Select); 6 bases into the intron before coding-DNA position 788, T replaced by C.
Molecular consequence: intron variant.
Genome position (GRCh38, 1-based): chr3:64,147,708, A>G on the plus strand (T>C on the coding strand, the complement: PRICKLE2 is on the minus strand). VCF-style: chr3-64147708-A-G. GRCh37 (hg19) VCF-style: chr3-64133384-A-G.
Other names: c.788-6T>C (NM_001370528.1).
Identifiers: ClinVar variation 198631 (VCV000198631.25), dbSNP rs180903875, ClinGen allele CA203530.